The following is an entry in ClinVar:

NM_002716.5(PPP2R1B):c.1783A>G (p.Ile595Val)

Gene: PPP2R1B (protein phosphatase 2 scaffold subunit Abeta; minus strand). Cytogenetic location: 11q23.1.
Variant type: single nucleotide variant.
Coding change: c.1783A>G on transcript NM_002716.5 (MANE Select); coding-DNA position 1783, A replaced by G.
Protein change: p.Ile595Val; replaces isoleucine 595 with valine.
Molecular consequence: missense variant.
Genome position (GRCh38, 1-based): chr11:111,742,059, T>C on the plus strand (A>G on the coding strand, the complement: PPP2R1B is on the minus strand). VCF-style: chr11-111742059-T-C. GRCh37 (hg19) VCF-style: chr11-111612783-T-C.
Other names: NC_000011.9:g.111612783T>C; c.1648A>G, p.Ile550Val (NM_001177562.2); c.1402A>G, p.Ile468Val (NM_001177563.2); c.1783A>G, p.Ile595Val (NM_181699.3); c.1591A>G, p.Ile531Val (NM_181700.2); short protein forms I468V, I531V, I550V, I595V.
Identifiers: ClinVar variation 3034260 (VCV003034260.3), dbSNP rs115287852, ClinGen allele CA6273699.

ClinVar aggregate classification (germline): Likely benign (0 of 4 stars; one submission).

Conditions:
PPP2R1B-related disorder. Also called: PPP2R1B-related condition.

Allele frequency attached by ClinVar (database versions not stated): 1000 Genomes Project 30x 0.00031; 1000 Genomes Project 0.00040; TOPMed 0.00077; gnomAD 0.00103; ExAC 0.00117; ESP Exome Variant Server 0.00139; gnomAD exomes 0.00141.
gnomAD v4.1: 2,202 of 1,611,902 alleles (0.14%); highest among the groups gnomAD compares: Non-Finnish European, 0.16%; 5 homozygotes.

Submissions (5):

PreventionGenetics, part of Exact Sciences
Classification: Likely benign for PPP2R1B-related condition. Last evaluated: 2022-07-20. Review status: no assertion criteria provided. Collection method: clinical testing. Allele origin: germline.
Comment: This variant is classified as likely benign based on ACMG/AMP sequence variant interpretation guidelines (Richards et al. 2015 PMID: 25741868, with internal and published modifications).

Dr. Peter K. Rogan Lab, Western University
No classification provided (evidence only). Condition: Familial cancer of breast. Review status: no classification provided. Collection method: in vitro. Allele origin: not applicable. Functional consequence: retained intron. Not counted in ClinVar's aggregate classification.

Dr. Peter K. Rogan Lab, Western University
No classification provided (evidence only). Condition: Familial cancer of breast. Review status: no classification provided. Collection method: in vitro. Allele origin: not applicable. Functional consequence: retained intron. Not counted in ClinVar's aggregate classification.

Dr. Peter K. Rogan Lab, Western University
No classification provided (evidence only). Condition: Uterine corpus endometrial carcinoma. Review status: no classification provided. Collection method: in vitro. Allele origin: not applicable. Functional consequence: retained intron. Not counted in ClinVar's aggregate classification.

Dr. Peter K. Rogan Lab, Western University
No classification provided (evidence only). Condition: Hepatocellular carcinoma. Review status: no classification provided. Collection method: in vitro. Allele origin: not applicable. Functional consequence: retained intron. Not counted in ClinVar's aggregate classification.